The following is an entry in ClinVar:

NM_006035.4(CDC42BPB):c.869A>G (p.Tyr290Cys)

Gene: CDC42BPB (CDC42 binding protein kinase beta; minus strand). Cytogenetic location: 14q32.32.
Variant type: single nucleotide variant.
Coding change: c.869A>G on transcript NM_006035.4 (MANE Select); coding-DNA position 869, A replaced by G.
Protein change: p.Tyr290Cys; replaces tyrosine 290 with cysteine.
Molecular consequence: missense variant.
Genome position (GRCh38, 1-based): chr14:102,983,578, T>C on the plus strand (A>G on the coding strand, the complement: CDC42BPB is on the minus strand). VCF-style: chr14-102983578-T-C. GRCh37 (hg19) VCF-style: chr14-103449915-T-C.
Other names: c.869A>G, p.Tyr290Cys (NM_001411054.1); short protein forms Y290C.
Identifiers: ClinVar variation 3364158 (VCV003364158.1).
Genomic context (GRCh38, chr14:102,983,578, plus strand): 5'-CCAGGTACCAAAAAAAAAAAAAAAATGCAACGTCTTACTTCATGGTTCATGATCTTCCCA[T>C]AGGTCTCCACGAGTGACTCCGCATAAAACGGCGTTTCTCCATAGAGCATCTCATACATGC-3'
Protein context (NP_006026.3, residues 280-300): PFYAESLVET[Tyr290Cys]GKIMNHEERF

ClinVar aggregate classification (germline): Uncertain significance (1 of 4 stars; one submission).

Submission:

GeneDx
Classification: Uncertain significance. Last evaluated: 2023-11-09. Review status: criteria provided, single submitter. Criteria: GeneDx Variant Classification Process June 2021. Collection method: clinical testing. Allele origin: germline. Affected: yes.
Comment: Not observed at significant frequency in large population cohorts (gnomAD); In silico analysis supports that this missense variant has a deleterious effect on protein structure/function; Has not been previously published as pathogenic or benign to our knowledge